The following is an entry in ClinVar:

ClinVar aggregate classification (germline): Conflicting classifications of pathogenicity. Review status: criteria provided, conflicting classifications (1 of 4 stars). 2 submissions from 2 submitters: Uncertain significance (1); Likely benign (1). Last evaluated 2024-07-24.

Conditions:
Hereditary cancer-predisposing syndrome. Also called: Tumor predisposition; Neoplastic Syndromes, Hereditary; Hereditary Cancer Syndrome; Hereditary neoplastic syndrome. Identifiers: Orphanet 140162, MedGen C0027672, MeSH D009386, MONDO:0015356.
Fanconi anemia complementation group O. Also called: RAD51C-Related Fanconi Anemia. Identifiers: Orphanet 84, MedGen C3150653, MONDO:0013248, OMIM 613390.

gnomAD v4.1: 1 of 1,613,506 alleles (0.000062%); no homozygotes.

Submissions (2):

Ambry Genetics
Classification: Likely benign for Hereditary cancer-predisposing syndrome. Last evaluated: 2024-07-24. Review status: criteria provided, single submitter. Criteria: Ambry Variant Classification Scheme 2023. Collection method: clinical testing. Allele origin: germline.

Labcorp Genetics (formerly Invitae), Labcorp
Classification: Uncertain significance for Fanconi anemia complementation group O. Last evaluated: 2021-12-17. Review status: criteria provided, single submitter. Criteria: Invitae Variant Classification Sherloc (09022015). Collection method: clinical testing. Allele origin: germline.
Comment: This sequence change replaces valine, which is neutral and non-polar, with leucine, which is neutral and non-polar, at codon 350 of the RAD51C protein (p.Val350Leu). The frequency data for this variant in the population databases is considered unreliable, as metrics indicate poor data quality at this position in the gnomAD database. This variant has not been reported in the literature in individuals affected with RAD51C-related conditions. Algorithms developed to predict the effect of missense changes on protein structure and function output the following: SIFT: "Tolerated"; PolyPhen-2: "Benign"; Align-GVGD: "Class C0". The leucine amino acid residue is found in multiple mammalian species, which suggests that this missense change does not adversely affect protein function. In summary, the available evidence is currently insufficient to determine the role of this variant in disease. Therefore, it has been classified as a Variant of Uncertain Significance.

NM_058216.3(RAD51C):c.1048G>C (p.Val350Leu)

Gene: RAD51C (RAD51 paralog C; plus strand). Cytogenetic location: 17q22.
Variant type: single nucleotide variant.
Coding change: c.1048G>C on transcript NM_058216.3 (MANE Select); coding-DNA position 1048, G replaced by C.
Protein change: p.Val350Leu; replaces valine 350 with leucine.
Molecular consequence: missense variant. On other transcripts: non-coding transcript variant (1).
Genome position (GRCh38, 1-based): chr17:58,734,139, G>C. VCF-style: chr17-58734139-G-C. GRCh37 (hg19) VCF-style: chr17-56811500-G-C.
Other names: c.*476G>C (NM_058217.1); short protein forms V350L.
Identifiers: ClinVar variation 1776173 (VCV001776173.8), dbSNP rs1473651696, ClinGen allele CA400366019.